The following is an entry in ClinVar:

NM_000130.5(F5):c.5923G>C (p.Gly1975Arg)

Gene: F5 (coagulation factor V; minus strand). Cytogenetic location: 1q24.2.
Variant type: single nucleotide variant.
Coding change: c.5923G>C on transcript NM_000130.5 (MANE Select); coding-DNA position 5923, G replaced by C.
Protein change: p.Gly1975Arg; replaces glycine 1975 with arginine.
Molecular consequence: missense variant.
Genome position (GRCh38, 1-based): chr1:169,523,322, C>G on the plus strand (G>C on the coding strand, the complement: F5 is on the minus strand). VCF-style: chr1-169523322-C-G. GRCh37 (hg19) VCF-style: chr1-169492560-C-G.
Other names: short protein forms G1975R.
Identifiers: ClinVar variation 873759 (VCV000873759.10), dbSNP rs146312772, ClinGen allele CA1233357.

ClinVar aggregate classification (germline): Conflicting classifications of pathogenicity. Review status: criteria provided, conflicting classifications (1 of 4 stars). 7 submissions from 5 submitters: Uncertain significance (5); Likely benign (2). Last evaluated 2026-01-26.

Conditions:
Thrombophilia due to thrombin defect (THPH1). Also called: Prothrombin Thrombophilia; Thrombosis susceptibility; THROMBOPHILIA DUE TO FACTOR 2 DEFECT; Prothrombin-Related Thrombophilia (Factor II). Identifiers: MedGen C3160733, MONDO:0008559, OMIM 188050. Disease mechanism: gain of function, loss of function.
Budd-Chiari syndrome (BDCHS). Also called: Hepatic vein obstruction. Identifiers: Orphanet 131, MedGen C0856761, MONDO:0010947, OMIM 600880, HP:0002639.
F5-related disorder. Also called: F5-related condition.
Factor V deficiency. Also called: Reduced coagulation factor V activity. Identifiers: Orphanet 326, MedGen C4317320, MONDO:0020586, HP:0003225.
Ischemic stroke. Also called: CEREBROVASCULAR ACCIDENT; Ischemic stroke, susceptibility to. Identifiers: MedGen C0948008, MONDO:1060198, OMIM 601367, HP:0002140.
Congenital factor V deficiency. Also called: LABILE FACTOR DEFICIENCY; OWREN PARAHEMOPHILIA; PARAHEMOPHILIA; Hereditary factor V deficiency disease. Identifiers: Orphanet 326, MedGen C0015499, MONDO:0009210, OMIM 227400.
Pregnancy loss, recurrent, susceptibility to, 1 (RPRGL1). Also called: EMBRYONIC LOSS, RECURRENT; MISCARRIAGE, RECURRENT; STILLBIRTH, RECURRENT; FETAL LOSS, RECURRENT, SUSCEPTIBILITY TO. Identifiers: MedGen C3280670, MONDO:0013727, OMIM 614389.
Thrombophilia due to activated protein C resistance (THPH2). Also called: PCCF DEFICIENCY; PROC COFACTOR DEFICIENCY; THROMBOPHILIA DUE TO DEFICIENCY OF ACTIVATED PROTEIN C COFACTOR; THROMBOPHILIA V; Activated protein C resistance; Hereditary Resistance to Activated Protein C. Identifiers: MedGen C1861171, MONDO:0008560, OMIM 188055. Disease mechanism: gain of function, loss of function.
Inborn genetic diseases. Identifiers: MedGen C0950123, MeSH D030342.

Allele frequency attached by ClinVar (database versions not stated): gnomAD exomes 0.00006 and 0.00014; TOPMed 0.00009; gnomAD 0.00010; ExAC 0.00015; ESP Exome Variant Server 0.00023.
gnomAD v4.1: 125 of 1,613,924 alleles (0.0077%); highest among the groups gnomAD compares: Admixed American, 0.0017%; no homozygotes.

Submissions (7):

Labcorp Genetics (formerly Invitae), Labcorp
Classification: Likely benign for Congenital factor V deficiency. Last evaluated: 2026-01-26. Review status: criteria provided, single submitter. Criteria: Invitae Variant Classification Sherloc (09022015). Collection method: clinical testing. Allele origin: germline.

PreventionGenetics, part of Exact Sciences
Classification: Likely benign for F5-related condition. Last evaluated: 2025-12-22. Review status: criteria provided, single submitter. Criteria: ACMG Guidelines, 2015. Collection method: clinical testing. Allele origin: germline.
Comment: This variant is classified as likely benign based on ACMG/AMP sequence variant interpretation guidelines (Richards et al. 2015 PMID: 25741868, with internal and published modifications).

Ambry Genetics
Classification: Uncertain significance for Inborn genetic diseases. Last evaluated: 2024-03-11. Review status: criteria provided, single submitter. Criteria: Ambry Variant Classification Scheme 2023. Collection method: clinical testing. Allele origin: germline.
Comment: The p.G1975R variant (also known as c.5923G>C), located in coding exon 21 of the F5 gene, results from a G to C substitution at nucleotide position 5923. The glycine at codon 1975 is replaced by arginine, an amino acid with dissimilar properties. This amino acid position is conserved. In addition, this alteration is predicted to be deleterious by in silico analysis. Based on the available evidence, the clinical significance of this alteration remains unclear.

Department of Pathology and Laboratory Medicine, Sinai Health System
Classification: Uncertain significance for Thrombophilia due to activated protein C resistance; Congenital factor V deficiency; Budd-Chiari syndrome; Ischemic stroke; Pregnancy loss, recurrent, susceptibility to, 1. Last evaluated: 2021-07-30. Review status: criteria provided, single submitter. Criteria: ACMG Guidelines, 2015. Collection method: research. Allele origin: germline.

Illumina Laboratory Services, Illumina
Classification: Uncertain significance for Venous thrombosis. Last evaluated: 2018-01-13. Review status: criteria provided, single submitter. Criteria: ICSL Variant Classification Criteria 13 December 2019. Collection method: clinical testing. Allele origin: germline.

Illumina Laboratory Services, Illumina
Classification: Uncertain significance for Budd-Chiari syndrome. Last evaluated: 2018-01-13. Review status: criteria provided, single submitter. Criteria: ICSL Variant Classification Criteria 13 December 2019. Collection method: clinical testing. Allele origin: germline.

Illumina Laboratory Services, Illumina
Classification: Uncertain significance for Congenital factor V deficiency. Last evaluated: 2018-01-13. Review status: criteria provided, single submitter. Criteria: ICSL Variant Classification Criteria 13 December 2019. Collection method: clinical testing. Allele origin: germline.